The following is an entry in ClinVar:

NM_002582.4(PARN):c.1045C>T (p.Arg349Trp)

Gene: PARN (poly(A)-specific ribonuclease; minus strand). Cytogenetic location: 16p13.12.
Variant type: single nucleotide variant.
Coding change: c.1045C>T on transcript NM_002582.4 (MANE Select); coding-DNA position 1045, C replaced by T.
Protein change: p.Arg349Trp; replaces arginine 349 with tryptophan.
Molecular consequence: missense variant.
Genome position (GRCh38, 1-based): chr16:14,584,383, G>A on the plus strand (C>T on the coding strand, the complement: PARN is on the minus strand). VCF-style: chr16-14584383-G-A. GRCh37 (hg19) VCF-style: chr16-14678240-G-A.
Other names: c.1045C>T, p.Arg349Trp (LRG_1286t1); c.862C>T, p.Arg288Trp (NM_001134477.3); c.907C>T, p.Arg303Trp (NM_001242992.2); short protein forms R349W, R303W, R288W.
Identifiers: ClinVar variation 219120 (VCV000219120.33), dbSNP rs754368658, ClinGen allele CA280938.

ClinVar aggregate classification (germline): Conflicting classifications of pathogenicity. Review status: criteria provided, conflicting classifications (1 of 4 stars). 5 submissions from 5 submitters: Likely pathogenic (1); Uncertain significance (2). 2 of the submissions do not count toward it. Last evaluated 2025-10-08.

Conditions:
Telomere syndrome. Identifiers: MedGen C4727832, MONDO:0100137.
Dyskeratosis congenita, autosomal recessive 6 (DKCB6). Identifiers: MedGen C4225356, MONDO:0014600, OMIM 616353.
Pulmonary fibrosis and/or bone marrow failure, Telomere-related, 4. Also called: PULMONARY FIBROSIS AND/OR BONE MARROW FAILURE SYNDROME, TELOMERE-RELATED, 4. Identifiers: Orphanet 2032, MedGen C4225347, MONDO:0014612, OMIM 616371.

Allele frequency attached by ClinVar (database versions not stated): ExAC 0.00001; TOPMed 0.00002; gnomAD 0.00001; gnomAD exomes 0.00001.

Submissions (5):

3billion
Classification: Uncertain significance for Dyskeratosis congenita, autosomal recessive 6. Last evaluated: 2025-10-08. Review status: criteria provided, single submitter. Criteria: ACMG Guidelines, 2015. Collection method: clinical testing. Allele origin: germline. Affected: yes.
Comment: The variant is observed at an extremely low frequency in the gnomAD v4.1.0 dataset (total allele frequency: 0.001%). Predicted Consequence/Location: Missense variant. The majority of the known disease-causing variants of this gene are variants expected to result in premature termination of the protein. Functional studies provide moderate evidence of the variant having a damaging effect on the gene or gene product (PMID: 26342108). In silico tool predictions suggest no damaging effect of the variant on gene or gene product [REVEL: 0.12 (<0.4); 3Cnet: 0.00 (<0.1, specificity 0.84 and negative predicitive value 0.97)]. The same nucleotide change resulting in the same amino acid change has been previously reported to be associated with PARN-related disorder (ClinVar ID: VCV000219120 /PMID: 26342108). However, the evidence of pathogenicity is insufficient at this time. Therefore, this variant is classified as VUS according to the recommendation of ACMG/AMP guideline.

Revvity Omics, Revvity
Classification: Likely pathogenic. Last evaluated: 2025-06-18. Review status: criteria provided, single submitter. Criteria: ACMG Guidelines, 2015. Collection method: clinical testing. Allele origin: germline.

Labcorp Genetics (formerly Invitae), Labcorp
Classification: Uncertain significance for Dyskeratosis congenita, autosomal recessive 6; Pulmonary fibrosis and/or bone marrow failure, Telomere-related, 4. Last evaluated: 2025-01-28. Review status: criteria provided, single submitter. Criteria: Invitae Variant Classification Sherloc (09022015). Collection method: clinical testing. Allele origin: germline.
Comment: This sequence change replaces arginine, which is basic and polar, with tryptophan, which is neutral and slightly polar, at codon 349 of the PARN protein (p.Arg349Trp). This variant is present in population databases (rs754368658, gnomAD 0.002%). This missense change has been observed in individual(s) with clinical features of autosomal recessive dyskeratosis congenita and autosomal dominant pulmonary fibrosis (PMID: 26342108, 38375433). ClinVar contains an entry for this variant (Variation ID: 219120). Invitae Evidence Modeling of protein sequence and biophysical properties (such as structural, functional, and spatial information, amino acid conservation, physicochemical variation, residue mobility, and thermodynamic stability) indicates that this missense variant is not expected to disrupt PARN protein function with a negative predictive value of 80%. Experimental studies have shown that this missense change affects PARN function (PMID: 26342108). In summary, the available evidence is currently insufficient to determine the role of this variant in disease. Therefore, it has been classified as a Variant of Uncertain Significance.

The Telomere Center at Johns Hopkins, Johns Hopkins University School of Medicine
Classification: Pathogenic for Telomere syndrome. Last evaluated: 2022-08-01. Review status: no assertion criteria provided. Collection method: clinical testing. Allele origin: germline. Affected: yes. Observed: 1 variant allele. Not counted in ClinVar's aggregate classification.

OMIM
Classification: Pathogenic for DYSKERATOSIS CONGENITA, AUTOSOMAL RECESSIVE 6. Last evaluated: 2015-11-01. Review status: no assertion criteria provided. Collection method: literature only. Allele origin: germline. Not counted in ClinVar's aggregate classification.

Literature cited by the submitters: PubMed 26342108 (cited by 3 submitters); PubMed 38375433 (cited by Labcorp Genetics (formerly Invitae), Labcorp).